The following is an entry in ClinVar:

NM_032638.5(GATA2):c.956_962del (p.Cys319fs)

Gene: GATA2 (GATA binding protein 2; minus strand). Cytogenetic location: 3q21.3.
Variant type: Deletion.
Coding change: c.956_962del on transcript NM_032638.5 (MANE Select); coding-DNA positions 956 to 962, 7 bases deleted (GTGGCCT; older notation c.956_962delGTGGCCT).
Protein change: p.Cys319fs; shifts the reading frame from cysteine 319.
Molecular consequence: frameshift variant.
Genome position (GRCh38, 1-based): chr3:128,483,915-128,483,921, AGGCCAC deleted on the plus strand (GTGGCCT on the coding strand, the reverse complement: GATA2 is on the minus strand); deleting any 7 consecutive bases within chr3:128,483,915-128,483,925 gives the same sequence; the c. name uses the placement nearest the transcript's 3' end. VCF-style (leftmost placement, unchanged base first): chr3-128483914-GAGGCCAC-G. GRCh37 (hg19) VCF-style: chr3-128202757-GAGGCCAC-G.
Other names: c.956_962del, p.Cys319fs (NM_001145661.2, NM_001145662.1); short protein forms C319fs.
Identifiers: ClinVar variation 1184148 (VCV001184148.1), dbSNP rs2107670386, ClinGen allele CA2499216460.

ClinVar aggregate classification (germline): Pathogenic (1 of 4 stars; one submission).

Conditions:
Deafness-lymphedema-leukemia syndrome. Also called: Emberger syndrome; Lymphedema, primary, with myelodysplasia. Identifiers: Orphanet 3226, MedGen C3279664, MONDO:0013540, OMIM 614038.
GATA2 deficiency with susceptibility to MDS/AML. Identifiers: MedGen CN300066, MONDO:0042982.

Submission:

Molecular Pathology Research Laboratory, SA Pathology
Classification: Pathogenic for GATA2 deficiency with susceptibility to MDS/AML; Deafness-lymphedema-leukemia syndrome. Last evaluated: 2021-07-06. Review status: criteria provided, single submitter. Criteria: ACMG Guidelines, 2015. Collection method: curation. Allele origin: germline. Inheritance: Autosomal dominant inheritance. Affected: yes. Observed: 1 variant allele.
Comment: PVS1, PS4_Supporting, PM2

Literature cited by the submitters: PubMed 31106410.